The following is an entry in ClinVar:

NM_003896.4(ST3GAL5):c.70C>A (p.Pro24Thr)

Genes: ST3GAL5 (ST3 beta-galactoside alpha-2,3-sialyltransferase 5; minus strand), LOC129934236 (ATAC-STARR-seq lymphoblastoid silent region 11709; plus strand). Cytogenetic location: 2p11.2.
Variant type: single nucleotide variant.
Coding change: c.70C>A on transcript NM_003896.4 (MANE Select); coding-DNA position 70, C replaced by A.
Protein change: p.Pro24Thr; replaces proline 24 with threonine.
Molecular consequence: missense variant. On other transcripts: 5 prime UTR variant (6).
Genome position (GRCh38, 1-based): chr2:85,888,836, G>T on the plus strand (C>A on the coding strand, the complement: ST3GAL5 is on the minus strand). VCF-style: chr2-85888836-G-T. GRCh37 (hg19) VCF-style: chr2-86115959-G-T.
Other names: c.-893C>A (NM_001354223.2); c.-555C>A (NM_001354224.2); c.-492C>A (NM_001354226.2); c.-202C>A (NM_001354227.2); c.-146C>A (NM_001354229.2); c.-932C>A (NM_001354233.2); c.70C>A, p.Pro24Thr (NM_001363847.1); short protein forms P24T.
Identifiers: ClinVar variation 2114255 (VCV002114255.4), dbSNP rs952271385, ClinGen allele CA347536080.

ClinVar aggregate classification (germline): Uncertain significance (1 of 4 stars; one submission).

Conditions:
GM3 synthase deficiency (SPDRS). Also called: SALT AND PEPPER DEVELOPMENTAL REGRESSION SYNDROME; SALT AND PEPPER MENTAL RETARDATION SYNDROME; AMISH INFANTILE EPILEPSY SYNDROME. Identifiers: Orphanet 171714, Orphanet 370933, MedGen C1836824, MONDO:0018274, OMIM 609056.

Submission:

Labcorp Genetics (formerly Invitae), Labcorp
Classification: Uncertain significance for GM3 synthase deficiency. Last evaluated: 2022-08-09. Review status: criteria provided, single submitter. Criteria: Invitae Variant Classification Sherloc (09022015). Collection method: clinical testing. Allele origin: germline.
Comment: This sequence change replaces proline, which is neutral and non-polar, with threonine, which is neutral and polar, at codon 24 of the ST3GAL5 protein (p.Pro24Thr). This variant is not present in population databases (gnomAD no frequency). This variant has not been reported in the literature in individuals affected with ST3GAL5-related conditions. Algorithms developed to predict the effect of missense changes on protein structure and function are either unavailable or do not agree on the potential impact of this missense change (SIFT: "Tolerated"; PolyPhen-2: "Probably Damaging"; Align-GVGD: "Class C0"). In summary, the available evidence is currently insufficient to determine the role of this variant in disease. Therefore, it has been classified as a Variant of Uncertain Significance.